The following is an entry in ClinVar:

NM_013275.6(ANKRD11):c.5569C>T (p.Leu1857Phe)

Gene: ANKRD11 (ankyrin repeat domain 11; minus strand). Cytogenetic location: 16q24.3.
Variant type: single nucleotide variant.
Coding change: c.5569C>T on transcript NM_013275.6 (MANE Select); coding-DNA position 5569, C replaced by T.
Protein change: p.Leu1857Phe; replaces leucine 1857 with phenylalanine.
Molecular consequence: missense variant.
Genome position (GRCh38, 1-based): chr16:89,280,973, G>A on the plus strand (C>T on the coding strand, the complement: ANKRD11 is on the minus strand). VCF-style: chr16-89280973-G-A. GRCh37 (hg19) VCF-style: chr16-89347381-G-A.
Other names: c.5569C>T, p.Leu1857Phe (NM_001256182.2, NM_001256183.2); short protein forms L1857F.
Identifiers: ClinVar variation 4710505 (VCV004710505.2).
Genomic context (GRCh38, chr16:89,280,973, plus strand): 5'-GGGTGACAGTGACAACGGCAGCCGGTGGGCAGTGCAAAGCGTCGACTTTGGGCGACGGGA[G>A]GCCATAGTCTGGGGAGTAGTACCCTGGCGACAAGCAGGCAAACTTCTCCGCGGGAACCGG-3'
Protein context (NP_037407.4, residues 1847-1867): SPGYYSPDYG[Leu1857Phe]PSPKVDALHC

ClinVar aggregate classification (germline): Uncertain significance. Review status: criteria provided, single submitter (1 of 4 stars). 2 submissions from 2 submitters: Uncertain significance (1). 1 of the submissions does not count toward it. Last evaluated 2025-07-18.

Conditions:
KBG syndrome (KBGS). Also called: ANKRD11-Related KBG Syndrome. Identifiers: Orphanet 2332, MedGen C0220687, MONDO:0007846, OMIM 148050.
Isolated dental anomalies.

gnomAD v4.1: 15 of 1,571,018 alleles (0.00095%); highest among the groups gnomAD compares: East Asian, 0.02%; no homozygotes.

Submissions (2):

Labcorp Genetics (formerly Invitae), Labcorp
Classification: Uncertain significance for KBG syndrome. Last evaluated: 2025-07-18. Review status: criteria provided, single submitter. Criteria: Invitae Variant Classification Sherloc (09022015). Collection method: clinical testing. Allele origin: germline.
Comment: This sequence change replaces leucine, which is neutral and non-polar, with phenylalanine, which is neutral and non-polar, at codon 1857 of the ANKRD11 protein (p.Leu1857Phe). This variant is present in population databases (rs764406187, gnomAD 0.03%). This variant has not been reported in the literature in individuals affected with ANKRD11-related conditions. Invitae Evidence Modeling of protein sequence and biophysical properties (such as structural, functional, and spatial information, amino acid conservation, physicochemical variation, residue mobility, and thermodynamic stability) indicates that this missense variant is not expected to disrupt ANKRD11 protein function with a negative predictive value of 95%. In summary, the available evidence is currently insufficient to determine the role of this variant in disease. Therefore, it has been classified as a Variant of Uncertain Significance.

Center of Excellence in Medical Genetics Research, Chiang Mai University
Classification: Uncertain significance for Isolated dental anomalies. Last evaluated: 2026-08-18. Review status: no assertion criteria provided. Collection method: research. Allele origin: germline. Affected: yes. Observed: 1 variant allele. Not counted in ClinVar's aggregate classification.
Comment: NM_013275.6:c.5569C>T is a missense variant in ANKRD11. The in silico mutation prediction results were MutationTaster (Polymorphism; 0.999727051630861), PolyPhen-2 (Benign; 0.148), SIFT (Uncertain; 0.007), CADD (12.12), and DANN (Uncertain; 0.9836) (BP4). It occurs at a low frequency in the gnomAD population database (gnomAD Global = 0.000009548, South Asian = 0, East Asian = 0.000203; dbSNP rs764406187) and was detected in 2/2172 alleles (AF = 0.001) in the T-Rex database (Thai exomes) (PM2). In summary, based on ACMG/AMP criteria, this variant is classified as a variant of uncertain significance (VUS) for isolated dental anomalies.